The following is an entry in ClinVar:

Single allele

Variant type: Deletion.
Identifiers: ClinVar variation 157358 (VCV000157358.2).

ClinVar aggregate classification (germline): not provided (0 of 4 stars; one submission).

Conditions:
Normal pregnancy. Identifiers: MedGen C0232989.

Submission:

Institute of Molecular and Cell Biology, University of Tartu
No classification provided. Condition: Normal pregnancy. Review status: no classification provided. Collection method: case-control. Allele origin: unknown. Affected: yes. Study: Kasak2014.
Comment: The study aimed to determine the contribution of copy number variants in the genetic etiology of normal and complicated pregnancies. The samples represented (i) maternal blood DNA drawn from healthy pregnant women during 1st or 2nd trimester and (ii) maternal and paternal blood DNA drawn at term pregnancy cases representing normal and complicated gestations (severe preeclampsia, PE; gestational diabetes, GD; small-for-gestational age newborn, SGA; large-for-gestational age newborn, LGA). We performed CNV calling based on genome-wide genotyping dataset (Illumina HumanOmniExpress-24-v1 BeadChip) by applying three algorithms, QuantiSNP, GADA (Genome Alteration Detection Algorithm) and CNstream in parallel. The acquired CNV calls were merged with HD-CNV (Hotspot Detector for Copy Number Variants) program and only the CNVs predicted by at least two programs, were considered in subsequent analysis.

Literature cited by the submitters: PubMed 25666259.